The following is an entry in ClinVar:

ClinVar aggregate classification (germline): Benign. Review status: criteria provided, multiple submitters, no conflicts (2 of 4 stars). 2 submissions from 2 submitters: Benign (2). Last evaluated 2021-05-04.

Allele frequency attached by ClinVar (database versions not stated): gnomAD exomes 0.06358 and 0.07589; 1000 Genomes Project 0.06510; ExAC 0.06720; 1000 Genomes Project 30x 0.06918; TOPMed 0.07563; gnomAD 0.07801 and 0.08086; ESP Exome Variant Server 0.08327.
gnomAD v4.1: 122,488 of 1,614,012 alleles (7.6%); highest among the groups gnomAD compares: African/African-American, 9.5%; 5,180 homozygotes.

Submissions (21):

GeneDx
Classification: Benign. Last evaluated: 2021-05-04. Review status: criteria provided, single submitter. Criteria: GeneDx Variant Classification Process June 2021. Collection method: clinical testing. Allele origin: germline. Affected: yes.
Comment: This variant is associated with the following publications: (PMID: 28008009)

Breakthrough Genomics
Classification: Benign. Review status: criteria provided, single submitter. Criteria: ACMG Guidelines, 2015. Collection method: not provided. Allele origin: germline. Inheritance: Unknown mechanism. Affected: yes.

Dr. Peter K. Rogan Lab, Western University
No classification provided (evidence only). Condition: Colorectal cancer. Review status: no classification provided. Collection method: in vitro. Allele origin: not applicable. Functional consequence: retained intron. Not counted in ClinVar's aggregate classification.

Dr. Peter K. Rogan Lab, Western University
No classification provided (evidence only). Condition: Colorectal cancer. Review status: no classification provided. Collection method: in vitro. Allele origin: not applicable. Functional consequence: retained intron. Not counted in ClinVar's aggregate classification.

Dr. Peter K. Rogan Lab, Western University
No classification provided (evidence only). Condition: Thymoma. Review status: no classification provided. Collection method: in vitro. Allele origin: not applicable. Functional consequence: retained intron. Not counted in ClinVar's aggregate classification.

Dr. Peter K. Rogan Lab, Western University
No classification provided (evidence only). Condition: Adrenocortical carcinoma, hereditary. Review status: no classification provided. Collection method: in vitro. Allele origin: not applicable. Functional consequence: retained intron. Not counted in ClinVar's aggregate classification.

Dr. Peter K. Rogan Lab, Western University
No classification provided (evidence only). Condition: Familial pancreatic carcinoma. Review status: no classification provided. Collection method: in vitro. Allele origin: not applicable. Functional consequence: retained intron. Not counted in ClinVar's aggregate classification.

Dr. Peter K. Rogan Lab, Western University
No classification provided (evidence only). Condition: Thymoma. Review status: no classification provided. Collection method: in vitro. Allele origin: not applicable. Functional consequence: retained intron. Not counted in ClinVar's aggregate classification.

Dr. Peter K. Rogan Lab, Western University
No classification provided (evidence only). Condition: Thymoma. Review status: no classification provided. Collection method: in vitro. Allele origin: not applicable. Functional consequence: retained intron. Not counted in ClinVar's aggregate classification.

Dr. Peter K. Rogan Lab, Western University
No classification provided (evidence only). Condition: Familial pancreatic carcinoma. Review status: no classification provided. Collection method: in vitro. Allele origin: not applicable. Functional consequence: retained intron. Not counted in ClinVar's aggregate classification.

Dr. Peter K. Rogan Lab, Western University
No classification provided (evidence only). Condition: Familial pancreatic carcinoma. Review status: no classification provided. Collection method: in vitro. Allele origin: not applicable. Functional consequence: retained intron. Not counted in ClinVar's aggregate classification.

Dr. Peter K. Rogan Lab, Western University
No classification provided (evidence only). Condition: Colorectal cancer. Review status: no classification provided. Collection method: in vitro. Allele origin: not applicable. Functional consequence: retained intron. Not counted in ClinVar's aggregate classification.

Dr. Peter K. Rogan Lab, Western University
No classification provided (evidence only). Condition: Uterine carcinosarcoma. Review status: no classification provided. Collection method: in vitro. Allele origin: not applicable. Functional consequence: retained intron. Not counted in ClinVar's aggregate classification.

Dr. Peter K. Rogan Lab, Western University
No classification provided (evidence only). Condition: Uterine carcinosarcoma. Review status: no classification provided. Collection method: in vitro. Allele origin: not applicable. Functional consequence: retained intron. Not counted in ClinVar's aggregate classification.

Dr. Peter K. Rogan Lab, Western University
No classification provided (evidence only). Condition: Familial pancreatic carcinoma. Review status: no classification provided. Collection method: in vitro. Allele origin: not applicable. Functional consequence: retained intron. Not counted in ClinVar's aggregate classification.

Dr. Peter K. Rogan Lab, Western University
No classification provided (evidence only). Condition: Ovarian cancer. Review status: no classification provided. Collection method: in vitro. Allele origin: not applicable. Functional consequence: retained intron. Not counted in ClinVar's aggregate classification.

Dr. Peter K. Rogan Lab, Western University
No classification provided (evidence only). Condition: Colorectal cancer. Review status: no classification provided. Collection method: in vitro. Allele origin: not applicable. Functional consequence: retained intron. Not counted in ClinVar's aggregate classification.

Dr. Peter K. Rogan Lab, Western University
No classification provided (evidence only). Condition: Malignant lymphoma, large B-cell, diffuse. Review status: no classification provided. Collection method: in vitro. Allele origin: not applicable. Functional consequence: retained intron. Not counted in ClinVar's aggregate classification.

Dr. Peter K. Rogan Lab, Western University
No classification provided (evidence only). Condition: Nonpapillary renal cell carcinoma. Review status: no classification provided. Collection method: in vitro. Allele origin: not applicable. Functional consequence: retained intron. Not counted in ClinVar's aggregate classification.

Dr. Peter K. Rogan Lab, Western University
No classification provided (evidence only). Condition: Familial pancreatic carcinoma. Review status: no classification provided. Collection method: in vitro. Allele origin: not applicable. Functional consequence: retained intron. Not counted in ClinVar's aggregate classification.

Dr. Peter K. Rogan Lab, Western University
No classification provided (evidence only). Condition: Ovarian cancer. Review status: no classification provided. Collection method: in vitro. Allele origin: not applicable. Functional consequence: retained intron. Not counted in ClinVar's aggregate classification.

NM_001010985.3(MYBPHL):c.730+5G>A

Gene: MYBPHL (myosin binding protein H like; minus strand). Cytogenetic location: 1p13.3.
Variant type: single nucleotide variant.
Coding change: c.730+5G>A on transcript NM_001010985.3 (MANE Select); 5 bases into the intron after coding-DNA position 730, G replaced by A.
Molecular consequence: intron variant.
Genome position (GRCh38, 1-based): chr1:109,296,778, C>T on the plus strand (G>A on the coding strand, the complement: MYBPHL is on the minus strand). VCF-style: chr1-109296778-C-T. GRCh37 (hg19) VCF-style: chr1-109839400-C-T.
Other names: NC_000001.10:g.109839400C>T; c.661+5G>A (NM_001265613.2).
Identifiers: ClinVar variation 1289852 (VCV001289852.4), dbSNP rs55660224, ClinGen allele CA989250.